The following is an entry in ClinVar:

ClinVar aggregate classification (germline): Uncertain significance (1 of 4 stars; one submission).

Conditions:
Developmental and epileptic encephalopathy, 11 (DEE11). Also called: Early infantile epileptic encephalopathy 11. Identifiers: Orphanet 1934, MedGen C3150987, MONDO:0013388, OMIM 613721.
Seizures, benign familial infantile, 3 (BFIS3). Also called: CONVULSIONS, BENIGN FAMILIAL INFANTILE, 3; Familial neonatal seizures. Identifiers: Orphanet 140927, Orphanet 306, MedGen C1843140, MONDO:0011904, OMIM 607745.

Submission:

Labcorp Genetics (formerly Invitae), Labcorp
Classification: Uncertain significance for Seizures, benign familial infantile, 3; Developmental and epileptic encephalopathy, 11. Last evaluated: 2024-07-19. Review status: criteria provided, single submitter. Criteria: Invitae Variant Classification Sherloc (09022015). Collection method: clinical testing. Allele origin: germline.
Comment: This sequence change replaces phenylalanine, which is neutral and non-polar, with valine, which is neutral and non-polar, at codon 1599 of the SCN2A protein (p.Phe1599Val). This variant is not present in population databases (gnomAD no frequency). This variant has not been reported in the literature in individuals affected with SCN2A-related conditions. Advanced modeling of protein sequence and biophysical properties (such as structural, functional, and spatial information, amino acid conservation, physicochemical variation, residue mobility, and thermodynamic stability) performed at Invitae indicates that this missense variant is expected to disrupt SCN2A protein function with a positive predictive value of 95%. In summary, the available evidence is currently insufficient to determine the role of this variant in disease. Therefore, it has been classified as a Variant of Uncertain Significance.

NM_001040142.2(SCN2A):c.4795T>G (p.Phe1599Val)

Gene: SCN2A (sodium voltage-gated channel alpha subunit 2; plus strand). Cytogenetic location: 2q24.3.
Variant type: single nucleotide variant.
Coding change: c.4795T>G on transcript NM_001040142.2 (MANE Select); coding-DNA position 4795, T replaced by G.
Protein change: p.Phe1599Val; replaces phenylalanine 1599 with valine.
Molecular consequence: missense variant.
Genome position (GRCh38, 1-based): chr2:165,386,989, T>G. VCF-style: chr2-165386989-T-G. GRCh37 (hg19) VCF-style: chr2-166243499-T-G.
Other names: c.4795T>G, p.Phe1599Val (NM_001040143.2, NM_001371246.1, NM_001371247.1 and 1 more transcripts); short protein forms F1599V.
Identifiers: ClinVar variation 3757300 (VCV003757300.2).
Genomic context (GRCh38, chr2:165,386,989, plus strand): 5'-GTGCTGAAACTGATCTCTCTTCGTTACTACTATTTCACTATTGGATGGAATATTTTTGAT[T>G]TTGTGGTGGTCATTCTCTCCATTGTAGGTAAGAAGAGGTGCTTTTATTCAGTTAAGGAAT-3'
Protein context (NP_001035232.1, residues 1589-1609): YFTIGWNIFD[Phe1599Val]VVVILSIVGM